The following is an entry in ClinVar:

NM_001122659.3(EDNRB):c.842A>G (p.Tyr281Cys)

Genes: EDNRB (endothelin receptor type B; minus strand), EDNRB-AS1 (EDNRB antisense RNA 1; plus strand). Cytogenetic location: 13q22.3.
Variant type: single nucleotide variant.
Coding change: c.842A>G on transcript NM_001122659.3 (MANE Select); coding-DNA position 842, A replaced by G.
Protein change: p.Tyr281Cys; replaces tyrosine 281 with cysteine.
Molecular consequence: missense variant.
Genome position (GRCh38, 1-based): chr13:77,901,167, T>C on the plus strand (A>G on the coding strand, the complement: EDNRB is on the minus strand). VCF-style: chr13-77901167-T-C. GRCh37 (hg19) VCF-style: chr13-78475302-T-C.
Other names: c.842A>G, p.Tyr281Cys (NM_000115.5, NM_003991.4); c.1112A>G, p.Tyr371Cys (NM_001201397.2); short protein forms Y281C, Y371C.
Identifiers: ClinVar variation 1314523 (VCV001314523.2), dbSNP rs1878955945, ClinGen allele CA388452130.

ClinVar aggregate classification (germline): Uncertain significance (1 of 4 stars; one submission).

Submission:

GeneDx
Classification: Uncertain significance. Last evaluated: 2021-04-08. Review status: criteria provided, single submitter. Criteria: GeneDx Variant Classification Process June 2021. Collection method: clinical testing. Allele origin: germline. Affected: yes.
Comment: Not observed in large population cohorts (Lek et al., 2016); In silico analysis supports that this missense variant has a deleterious effect on protein structure/function; Has not been previously published as pathogenic or benign to our knowledge